The following is an entry in ClinVar:

NM_015272.5(RPGRIP1L):c.482G>T (p.Arg161Leu)

Gene: RPGRIP1L (RPGRIP1 like; minus strand). Cytogenetic location: 16q12.2.
Variant type: single nucleotide variant.
Coding change: c.482G>T on transcript NM_015272.5 (MANE Select); coding-DNA position 482, G replaced by T.
Protein change: p.Arg161Leu; replaces arginine 161 with leucine.
Molecular consequence: missense variant.
Genome position (GRCh38, 1-based): chr16:53,692,113, C>A on the plus strand (G>T on the coding strand, the complement: RPGRIP1L is on the minus strand). VCF-style: chr16-53692113-C-A. GRCh37 (hg19) VCF-style: chr16-53726025-C-A.
Other names: c.482G>T (NM_015272.4); c.482G>T, p.Arg161Leu (NM_001127897.4, NM_001308334.3, NM_001330538.2); short protein forms R161L.
Identifiers: ClinVar variation 1918115 (VCV001918115.6), dbSNP rs74957591, ClinGen allele CA8058114.
Genomic context (GRCh38, chr16:53,692,113, plus strand): 5'-AGCTTTGTTTTACCTTTCCTGGGGCATTCCTGTAAACCAGCATTTTCATTTGCTTTTCTA[C>A]GCCCAGTGTTAATACGAGATTGTACATTATTGTATGGAGTTTGCCTGTAACCCTGGGTTT-3'
Protein context (NP_056087.2, residues 151-171): NNVQSRINTG[Arg161Leu]RKANENAGLQ

ClinVar aggregate classification (germline): Uncertain significance. Review status: criteria provided, multiple submitters, no conflicts (2 of 4 stars). 4 submissions from 4 submitters: Uncertain significance (4). Last evaluated 2025-05-12.

Conditions:
Joubert syndrome. Also called: JOUBERT-BOLTSHAUSER SYNDROME; Familial aplasia of the vermis. Identifiers: Orphanet 475, MedGen C5979921, MONDO:0018772.
Meckel-Gruber syndrome. Also called: DYSENCEPHALIA SPLANCHNOCYSTICA; GRUBER SYNDROME; Dysencephalia splachnocystica. Identifiers: Orphanet 564, MedGen C0265215, MONDO:0018921.
COACH syndrome 3. Identifiers: MedGen C5436841, MONDO:0030862, OMIM 619113.
Meckel syndrome, type 5 (MKS5). Identifiers: Orphanet 564, MedGen C1969052, MONDO:0012695, OMIM 611561.
Joubert syndrome 7 (JBTS7). Identifiers: Orphanet 220497, MedGen C1969053, MONDO:0012694, OMIM 611560.
RPGRIP1L-related disorder. Also called: RPGRIP1L-related condition; RPGRIP1L-related disorders. Identifiers: MedGen CN239416.

gnomAD v4.1: 102 of 1,613,854 alleles (0.0063%); highest among the groups gnomAD compares: Non-Finnish European, 0.0085%; no homozygotes.

Submissions (4):

PreventionGenetics, part of Exact Sciences
Classification: Uncertain significance for RPGRIP1L-related condition. Last evaluated: 2025-05-12. Review status: criteria provided, single submitter. Criteria: ACMG Guidelines, 2015. Collection method: clinical testing. Allele origin: germline.
Comment: The RPGRIP1L c.482G>T variant is predicted to result in the amino acid substitution p.Arg161Leu. To our knowledge, this variant has not been reported in the literature. This variant is reported in 0.0035% of alleles in individuals of European (Non-Finnish) descent in gnomAD. At this time, the clinical significance of this variant is uncertain due to the absence of conclusive functional and genetic evidence.

Fulgent Genetics
Classification: Uncertain significance for Joubert syndrome 7; Meckel syndrome, type 5; COACH syndrome 3. Last evaluated: 2024-05-15. Review status: criteria provided, single submitter. Criteria: ACMG Guidelines, 2015. Collection method: clinical testing. Allele origin: germline.

Labcorp Genetics (formerly Invitae), Labcorp
Classification: Uncertain significance for Joubert syndrome; Meckel-Gruber syndrome. Last evaluated: 2021-09-24. Review status: criteria provided, single submitter. Criteria: Invitae Variant Classification Sherloc (09022015). Collection method: clinical testing. Allele origin: germline.
Comment: This sequence change replaces arginine with leucine at codon 161 of the RPGRIP1L protein (p.Arg161Leu). The arginine residue is moderately conserved and there is a moderate physicochemical difference between arginine and leucine. This variant is present in population databases (rs74957591, ExAC 0.003%). This variant has not been reported in the literature in individuals with RPGRIP1L-related conditions. Algorithms developed to predict the effect of missense changes on protein structure and function (SIFT, PolyPhen-2, Align-GVGD) all suggest that this variant is likely to be tolerated, but these predictions have not been confirmed by published functional studies and their clinical significance is uncertain. In summary, the available evidence is currently insufficient to determine the role of this variant in disease. Therefore, it has been classified as a Variant of Uncertain Significance.

Blueprint Genetics
Classification: Uncertain significance. Last evaluated: 2020-02-20. Review status: criteria provided, single submitter. Criteria: ACMG Guidelines, 2015. Collection method: clinical testing. Allele origin: germline.